The following is an entry in ClinVar:

ClinVar aggregate classification (germline): Uncertain significance. Review status: criteria provided, multiple submitters, no conflicts (2 of 4 stars). 2 submissions from 2 submitters: Uncertain significance (2). Last evaluated 2026-03-05.

Conditions:
Kleefstra syndrome 1 (KLEFS1). Identifiers: Orphanet 261494, MedGen C0795833, MONDO:0027407, OMIM 610253.

gnomAD v4.1: 1 of 1,596,936 alleles (0.000063%); no homozygotes.

Submissions (2):

Mendelics
Classification: Uncertain significance for Kleefstra syndrome 1. Last evaluated: 2026-03-05. Review status: criteria provided, single submitter. Criteria: ACMG Guidelines, 2015. Collection method: clinical testing. Allele origin: unknown.
Comment: The available evidence is insufficient to conclusively determine the role of this variant. Therefore, it is classified as a Variant of Uncertain Significance.

GeneDx
Classification: Uncertain significance. Last evaluated: 2021-10-26. Review status: criteria provided, single submitter. Criteria: GeneDx Variant Classification Process June 2021. Collection method: clinical testing. Allele origin: germline. Affected: yes.
Comment: Not observed in large population cohorts (Lek et al., 2016); In silico analysis supports that this missense variant does not alter protein structure/function; Has not been previously published as pathogenic or benign to our knowledge

NM_024757.5(EHMT1):c.826T>C (p.Cys276Arg)

Gene: EHMT1 (euchromatic histone lysine methyltransferase 1; plus strand). Cytogenetic location: 9q34.3.
Variant type: single nucleotide variant.
Coding change: c.826T>C on transcript NM_024757.5 (MANE Select); coding-DNA position 826, T replaced by C.
Protein change: p.Cys276Arg; replaces cysteine 276 with arginine.
Molecular consequence: missense variant. On other transcripts: intron variant (1).
Genome position (GRCh38, 1-based): chr9:137,743,373, T>C. VCF-style: chr9-137743373-T-C. GRCh37 (hg19) VCF-style: chr9-140637825-T-C.
Other names: c.733T>C, p.Cys245Arg (NM_001354259.2, NM_001354612.2); c.826T>C, p.Cys276Arg (NM_001354611.2, NM_001145527.2); c.824-19T>C (NM_001354263.2); short protein forms C245R, C276R.
Identifiers: ClinVar variation 1318422 (VCV001318422.3), dbSNP rs2136052224, ClinGen allele CA375777458.
Genomic context (GRCh38, chr9:137,743,373, plus strand): 5'-TTTGAATGGTGTTTCTTTTCCTTTCTTGTCCCCTTTTGACTTTTTTTTTTTTTTTTAGCT[T>C]GCTTGCCTTTTGTTTTAGCAGCTGCAGTATCTCGGAAGAAAAAACGAAGAATGGGAACCT-3'
Protein context (NP_079033.4, residues 266-286): YMATTKSQTA[Cys276Arg]LPFVLAAAVS